The following is an entry in ClinVar:

ClinVar aggregate classification (germline): Uncertain significance. Review status: criteria provided, multiple submitters, no conflicts (2 of 4 stars). 2 submissions from 2 submitters: Uncertain significance (2). Last evaluated 2024-05-02.

Conditions:
Charcot-Marie-Tooth disease type 4. Also called: Charcot-Marie-Tooth, Type 4; Charcot-Marie-Tooth disease, type IV. Identifiers: Orphanet 64749, MedGen C4082197, MONDO:0018995.
Inborn genetic diseases. Identifiers: MedGen C0950123, MeSH D030342.

Allele frequency attached by ClinVar (database versions not stated): gnomAD exomes 0.00001 and 0.00003; TOPMed 0.00002; gnomAD 0.00003.
gnomAD v4.1: 42 of 1,540,750 alleles (0.0027%); highest among the groups gnomAD compares: Non-Finnish European, 0.0034%; no homozygotes.

Submissions (2):

Ambry Genetics
Classification: Uncertain significance for Inborn genetic diseases. Last evaluated: 2024-05-02. Review status: criteria provided, single submitter. Criteria: Ambry Variant Classification Scheme 2023. Collection method: clinical testing. Allele origin: germline.

Labcorp Genetics (formerly Invitae), Labcorp
Classification: Uncertain significance for Charcot-Marie-Tooth disease type 4. Last evaluated: 2022-06-08. Review status: criteria provided, single submitter. Criteria: Invitae Variant Classification Sherloc (09022015). Collection method: clinical testing. Allele origin: germline.
Comment: This sequence change replaces glycine, which is neutral and non-polar, with serine, which is neutral and polar, at codon 265 of the PRX protein (p.Gly265Ser). This variant is present in population databases (no rsID available, gnomAD 0.005%). This variant has not been reported in the literature in individuals affected with PRX-related conditions. ClinVar contains an entry for this variant (Variation ID: 958646). Algorithms developed to predict the effect of missense changes on protein structure and function output the following: SIFT: "Tolerated"; PolyPhen-2: "Probably Damaging"; Align-GVGD: "Class C0". The serine amino acid residue is found in multiple mammalian species, which suggests that this missense change does not adversely affect protein function. In summary, the available evidence is currently insufficient to determine the role of this variant in disease. Therefore, it has been classified as a Variant of Uncertain Significance.

NM_181882.3(PRX):c.793G>A (p.Gly265Ser)

Gene: PRX (periaxin; minus strand). Cytogenetic location: 19q13.2.
Variant type: single nucleotide variant.
Coding change: c.793G>A on transcript NM_181882.3 (MANE Select); coding-DNA position 793, G replaced by A.
Protein change: p.Gly265Ser; replaces glycine 265 with serine.
Molecular consequence: missense variant. On other transcripts: 3 prime UTR variant (1).
Genome position (GRCh38, 1-based): chr19:40,397,559, C>T on the plus strand (G>A on the coding strand, the complement: PRX is on the minus strand). VCF-style: chr19-40397559-C-T. GRCh37 (hg19) VCF-style: chr19-40903466-C-T.
Other names: c.*998G>A (NM_020956.2); short protein forms G265S.
Identifiers: ClinVar variation 958646 (VCV000958646.9), dbSNP rs1298913150, ClinGen allele CA405899673.
Genomic context (GRCh38, chr19:40,397,559, plus strand): 5'-CCTCCACAGCAGGCGGAGCCGGGGCTCCGAGCCCAAGGGTTGGCAGGTGGAGGGCAAAGC[C>T]ACCAGCTGCCTCTGCTGAGGGGGCAGCCTTGGGGGCTGAGACCTGGGGGACACCCACCTC-3'
Protein context (NP_870998.2, residues 255-275): KAAPSAEAAG[Gly265Ser]FALHLPTLGL